The following is an entry in ClinVar:

NM_005883.3(APC2):c.1000_1016dup (p.Ala340fs)

Gene: APC2 (APC regulator of Wnt signaling pathway 2; plus strand). Cytogenetic location: 19p13.3.
Variant type: Duplication.
Coding change: c.1000_1016dup on transcript NM_005883.3 (MANE Select); coding-DNA positions 1000 to 1016, 17 bases duplicated (GCCCCAGGGGCACCGGG).
Protein change: p.Ala340fs; shifts the reading frame from alanine 340.
Molecular consequence: frameshift variant.
Genome position (GRCh38, 1-based): chr19:1,457,036-1,457,052, GCCCCAGGGGCACCGGG duplicated; duplicating any 17 consecutive bases within chr19:1,457,031-1,457,052 gives the same sequence; the c. name uses the placement nearest the transcript's 3' end. VCF-style (leftmost placement, unchanged base first): chr19-1457030-G-GCCGGGGCCCCAGGGGCA. GRCh37 (hg19) VCF-style: chr19-1457029-G-GCCGGGGCCCCAGGGGCA.
Other names: c.997_1013dup, p.Ala339fs (NM_001351273.1); short protein forms A339fs, A340fs.
Identifiers: ClinVar variation 4085202 (VCV004085202.8).

ClinVar aggregate classification (germline): Pathogenic (1 of 4 stars; one submission).

Submission:

CeGaT Center for Human Genetics Tuebingen
Classification: Pathogenic. Last evaluated: 2025-06-01. Review status: criteria provided, single submitter. Criteria: CeGaT Center For Human Genetics Tuebingen Variant Classification Criteria Version 2. Collection method: clinical testing. Allele origin: germline. Affected: yes. Observed: 1 variant allele.
Comment: APC2: PVS1, PM2